The following is an entry in ClinVar:

NM_206933.4(USH2A):c.4565dup (p.Ile1523fs)

Gene: USH2A (usherin; minus strand). Cytogenetic location: 1q41.
Variant type: Duplication.
Coding change: c.4565dup on transcript NM_206933.4 (MANE Select); coding-DNA position 4565, one base duplicated (T; older notation c.4565dupT).
Protein change: p.Ile1523fs; shifts the reading frame from isoleucine 1523.
Molecular consequence: frameshift variant.
Genome position (GRCh38, 1-based): chr1:216,175,314, A duplicated on the plus strand (T on the coding strand, the reverse complement: USH2A is on the minus strand); the first of 3 consecutive A bases (chr1:216,175,314-216,175,316); duplicating any one gives the same sequence. VCF-style (leftmost placement, unchanged base first): chr1-216175313-G-GA. GRCh37 (hg19) VCF-style: chr1-216348655-G-GA.
Other names: c.4565dup, p.Ile1523fs (NM_007123.6); short protein forms I1523fs.
Identifiers: ClinVar variation 1457099 (VCV001457099.6), dbSNP rs2102640989, ClinGen allele CA2573130631.
Genomic context (GRCh38, chr1:216,175,313, plus strand): 5'-AGTGAAGTCTGTATTGACTGGGTGAGTGGAGCTGGGAAATTTACAATACCCATTTCCTAT[G>GA]AAACGGATTCCTTTCATCATCGTGGTCATCAGAGCTGGTAGAGATGACTCTCTCCTTTCC-3'

ClinVar aggregate classification (germline): Pathogenic (1 of 4 stars; one submission).

Submission:

Labcorp Genetics (formerly Invitae), Labcorp
Classification: Pathogenic. Last evaluated: 2021-03-07. Review status: criteria provided, single submitter. Criteria: Invitae Variant Classification Sherloc (09022015). Collection method: clinical testing. Allele origin: germline.
Comment: This sequence change creates a premature translational stop signal (p.Ile1523Hisfs*7) in the USH2A gene. It is expected to result in an absent or disrupted protein product. Loss-of-function variants in USH2A are known to be pathogenic (PMID: 10729113, 10909849, 20507924, 25649381). This variant is not present in population databases (ExAC no frequency). This variant has not been reported in the literature in individuals with USH2A-related conditions. For these reasons, this variant has been classified as Pathogenic.

Literature cited by the submitters: PubMed 10729113; PubMed 10909849; PubMed 20507924; PubMed 25649381.